The following is an entry in ClinVar:

NC_000023.10:g.(?_77275721)_(77279056_?)del

Gene: ATP7A (ATPase copper transporting alpha; plus strand). Cytogenetic location: Xq21.1.
Variant type: Deletion.
Identifiers: ClinVar variation 1458814 (VCV001458814.7).

ClinVar aggregate classification (germline): Pathogenic (1 of 4 stars; one submission).

Conditions:
Cutis laxa, X-linked (OHS). Also called: EDS IX; Occipital horn syndrome. Identifiers: Orphanet 198, MedGen C0268353, MONDO:0010572, OMIM 304150.
X-linked distal spinal muscular atrophy type 3. Also called: ATP7A-Related Distal Motor Neuropathy; SPINAL MUSCULAR ATROPHY, DISTAL, X-LINKED RECESSIVE; NEURONOPATHY, DISTAL HEREDITARY MOTOR, X-LINKED; NEUROPATHY, DISTAL HEREDITARY MOTOR, X-LINKED. Identifiers: Orphanet 139557, MedGen C1845359, MONDO:0010338, OMIM 300489.
Menkes kinky-hair syndrome (MNK). Also called: Classic Menkes Disease; Copper transport disease; Menkes Disease. Identifiers: Orphanet 565, MedGen C0022716, MONDO:0010651, OMIM 309400.

Submission:

Labcorp Genetics (formerly Invitae), Labcorp
Classification: Pathogenic for X-linked distal spinal muscular atrophy type 3; Cutis laxa, X-linked; Menkes kinky-hair syndrome. Last evaluated: 2022-07-30. Review status: criteria provided, single submitter. Criteria: Invitae Variant Classification Sherloc (09022015). Collection method: clinical testing. Allele origin: germline.
Comment: This variant is a gross deletion of the genomic region encompassing exon(s) 13-14 of the ATP7A gene. This deletion is out-of-frame, and is expected to create a premature termination codon and result in an absent or disrupted protein product. Loss-of-function variants in ATP7A are known to be pathogenic (PMID: 11241493, 20652413). A similar copy number variant has been observed in individuals with Menkes disease (PMID: 14635105, 20497190). For these reasons, this variant has been classified as Pathogenic.

Literature cited by the submitters: PubMed 11241493; PubMed 20652413; PubMed 14635105; PubMed 20497190.